The following is an entry in ClinVar:

NM_033004.4(NLRP1):c.1126A>G (p.Lys376Glu)

Gene: NLRP1 (NLR family pyrin domain containing 1; minus strand). Cytogenetic location: 17p13.2.
Variant type: single nucleotide variant.
Coding change: c.1126A>G on transcript NM_033004.4 (MANE Select); coding-DNA position 1126, A replaced by G.
Protein change: p.Lys376Glu; replaces lysine 376 with glutamic acid.
Molecular consequence: missense variant.
Genome position (GRCh38, 1-based): chr17:5,559,570, T>C on the plus strand (A>G on the coding strand, the complement: NLRP1 is on the minus strand). VCF-style: chr17-5559570-T-C. GRCh37 (hg19) VCF-style: chr17-5462890-T-C.
Other names: c.1126A>G, p.Lys376Glu (NM_001033053.3, NM_014922.5, NM_033006.4 and 1 more transcripts); short protein forms K376E.
Identifiers: ClinVar variation 1991198 (VCV001991198.5), dbSNP rs1382147181, ClinGen allele CA397386863.

ClinVar aggregate classification (germline): Uncertain significance. Review status: criteria provided, multiple submitters, no conflicts (2 of 4 stars). 2 submissions from 2 submitters: Uncertain significance (2). Last evaluated 2022-09-10.

Conditions:
Inborn genetic diseases. Identifiers: MedGen C0950123, MeSH D030342.

Allele frequency attached by ClinVar (database versions not stated): gnomAD exomes below 0.00001; TOPMed below 0.00001.
gnomAD v4.1: 4 of 1,614,202 alleles (0.00025%); highest among the groups gnomAD compares: East Asian, 0.0067%; no homozygotes.

Submissions (2):

Labcorp Genetics (formerly Invitae), Labcorp
Classification: Uncertain significance. Last evaluated: 2022-09-10. Review status: criteria provided, single submitter. Criteria: Invitae Variant Classification Sherloc (09022015). Collection method: clinical testing. Allele origin: germline.
Comment: In summary, the available evidence is currently insufficient to determine the role of this variant in disease. Therefore, it has been classified as a Variant of Uncertain Significance. Algorithms developed to predict the effect of missense changes on protein structure and function output the following: SIFT: "Tolerated"; PolyPhen-2: "Benign"; Align-GVGD: "Class C0". The glutamic acid amino acid residue is found in multiple mammalian species, which suggests that this missense change does not adversely affect protein function. This variant has not been reported in the literature in individuals affected with NLRP1-related conditions. This variant is present in population databases (no rsID available, gnomAD 0.006%). This sequence change replaces lysine, which is basic and polar, with glutamic acid, which is acidic and polar, at codon 376 of the NLRP1 protein (p.Lys376Glu).

Ambry Genetics
Classification: Uncertain significance for Inborn genetic diseases. Last evaluated: 2021-07-09. Review status: criteria provided, single submitter. Criteria: Ambry Variant Classification Scheme 2023. Collection method: clinical testing. Allele origin: germline.